The following is an entry in ClinVar:

NM_000070.3(CAPN3):c.360C>A (p.Asp120Glu)

Gene: CAPN3 (calpain 3; plus strand). Cytogenetic location: 15q15.1.
Variant type: single nucleotide variant.
Coding change: c.360C>A on transcript NM_000070.3 (MANE Select); coding-DNA position 360, C replaced by A.
Protein change: p.Asp120Glu; replaces aspartic acid 120 with glutamic acid.
Molecular consequence: missense variant.
Genome position (GRCh38, 1-based): chr15:42,384,533, C>A. VCF-style: chr15-42384533-C-A. GRCh37 (hg19) VCF-style: chr15-42676731-C-A.
Other names: c.360C>A, p.Asp120Glu (NM_024344.2, NM_173087.2); short protein forms D120E.
Identifiers: ClinVar variation 285145 (VCV000285145.12), dbSNP rs886043027, ClinGen allele CA10605014.

ClinVar aggregate classification (germline): Uncertain significance. Review status: criteria provided, multiple submitters, no conflicts (2 of 4 stars). 2 submissions from 2 submitters: Uncertain significance (2). Last evaluated 2022-06-04.

Conditions:
Autosomal recessive limb-girdle muscular dystrophy type 2A (LGMDR1). Also called: Calpainopathy; MUSCULAR DYSTROPHY, PELVOFEMORAL; Limb-girdle muscular dystrophy, type 2A; Muscular dystrophy, limb-girdle, type 2A, Amish; LEYDEN-MOEBIUS MUSCULAR DYSTROPHY. Identifiers: Orphanet 267, MedGen C1869123, MONDO:0009675, OMIM 253600. Disease mechanism: loss of function.

Submissions (2):

Labcorp Genetics (formerly Invitae), Labcorp
Classification: Uncertain significance for Autosomal recessive limb-girdle muscular dystrophy type 2A. Last evaluated: 2022-06-04. Review status: criteria provided, single submitter. Criteria: Invitae Variant Classification Sherloc (09022015). Collection method: clinical testing. Allele origin: germline.
Comment: This sequence change replaces aspartic acid, which is acidic and polar, with glutamic acid, which is acidic and polar, at codon 120 of the CAPN3 protein (p.Asp120Glu). This variant is not present in population databases (gnomAD no frequency). This variant has not been reported in the literature in individuals affected with CAPN3-related conditions. ClinVar contains an entry for this variant (Variation ID: 285145). Algorithms developed to predict the effect of missense changes on protein structure and function are either unavailable or do not agree on the potential impact of this missense change (SIFT: "Tolerated"; PolyPhen-2: "Probably Damaging"; Align-GVGD: "Class C0"). In summary, the available evidence is currently insufficient to determine the role of this variant in disease. Therefore, it has been classified as a Variant of Uncertain Significance.

Eurofins Ntd Llc (ga)
Classification: Uncertain significance. Last evaluated: 2015-12-08. Review status: criteria provided, single submitter. Criteria: EGL Classification Definitions 2015. Collection method: clinical testing. Allele origin: germline. Observed: 1 variant allele, 1 heterozygote.